The following is an entry in ClinVar:

ClinVar aggregate classification (germline): Conflicting classifications of pathogenicity. Review status: criteria provided, conflicting classifications (1 of 4 stars). 3 submissions from 3 submitters: Uncertain significance (1); Likely benign (2). Last evaluated 2026-03-29.

Conditions:
Inborn genetic diseases. Identifiers: MedGen C0950123, MeSH D030342.
Neuropathy, hereditary sensory, type 1F. Also called: HSN IF; Hereditary sensory neuropathy type IF. Identifiers: Orphanet 36386, MedGen C3810194, MONDO:0014286, OMIM 615632.
ATL3-related disorder. Also called: ATL3-related condition.

Allele frequency attached by ClinVar (database versions not stated): ExAC 0.00002; gnomAD exomes 0.00002; 1000 Genomes Project 30x 0.00016; 1000 Genomes Project 0.00020; gnomAD 0.00023; ESP Exome Variant Server 0.00025; TOPMed 0.00025.
gnomAD v4.1: 66 of 1,614,164 alleles (0.0041%); highest among the groups gnomAD compares: African/African-American, 0.079%; no homozygotes.

Submissions (3):

PreventionGenetics, part of Exact Sciences
Classification: Likely benign for ATL3-related condition. Last evaluated: 2026-03-29. Review status: criteria provided, single submitter. Criteria: ACMG Guidelines, 2015. Collection method: clinical testing. Allele origin: germline.
Comment: This variant is classified as likely benign based on ACMG/AMP sequence variant interpretation guidelines (Richards et al. 2015 PMID: 25741868, with internal and published modifications).

Labcorp Genetics (formerly Invitae), Labcorp
Classification: Uncertain significance for Neuropathy, hereditary sensory, type 1F. Last evaluated: 2025-12-17. Review status: criteria provided, single submitter. Criteria: Invitae Variant Classification Sherloc (09022015). Collection method: clinical testing. Allele origin: germline.
Comment: This sequence change replaces glutamic acid, which is acidic and polar, with lysine, which is basic and polar, at codon 389 of the ATL3 protein (p.Glu389Lys). This variant is present in population databases (rs200622841, gnomAD 0.06%), and has an allele count higher than expected for a pathogenic variant. This variant has not been reported in the literature in individuals affected with ATL3-related conditions. ClinVar contains an entry for this variant (Variation ID: 838683). Invitae Evidence Modeling of protein sequence and biophysical properties (such as structural, functional, and spatial information, amino acid conservation, physicochemical variation, residue mobility, and thermodynamic stability) indicates that this missense variant is not expected to disrupt ATL3 protein function with a negative predictive value of 80%. In summary, the available evidence is currently insufficient to determine the role of this variant in disease. Therefore, it has been classified as a Variant of Uncertain Significance.

Ambry Genetics
Classification: Likely benign for Inborn genetic diseases. Last evaluated: 2021-09-16. Review status: criteria provided, single submitter. Criteria: Ambry Variant Classification Scheme 2023. Collection method: clinical testing. Allele origin: germline.

NM_015459.5(ATL3):c.1165G>A (p.Glu389Lys)

Genes: LNCROPM (lncRNA regulator of PLAAT3 mediated phospholipid metabolism; plus strand), ATL3 (atlastin GTPase 3; minus strand), LOC126861231 (CDK7 strongly-dependent group 2 enhancer GRCh37_chr11:63398741-63399940; plus strand). Cytogenetic location: 11q13.1.
Variant type: single nucleotide variant.
Coding change: c.1165G>A on transcript NM_015459.5 (MANE Select); coding-DNA position 1165, G replaced by A.
Protein change: p.Glu389Lys; replaces glutamic acid 389 with lysine.
Molecular consequence: missense variant.
Genome position (GRCh38, 1-based): chr11:63,631,414, C>T on the plus strand (G>A on the coding strand, the complement: ATL3 is on the minus strand). VCF-style: chr11-63631414-C-T. GRCh37 (hg19) VCF-style: chr11-63398886-C-T.
Other names: c.1111G>A, p.Glu371Lys (NM_001290048.2); short protein forms E371K, E389K.
Identifiers: ClinVar variation 838683 (VCV000838683.13), dbSNP rs200622841, ClinGen allele CA6063566.